The following is an entry in ClinVar:

ClinVar aggregate classification (germline): Uncertain significance (1 of 4 stars; one submission).

Conditions:
Ehlers-Danlos syndrome, classic type, 1 (EDSCL1). Also called: Ehlers-Danlos Syndrome, Classic Type, COL5A1-Related; EHLERS-DANLOS SYNDROME, GRAVIS TYPE; EHLERS-DANLOS SYNDROME, SEVERE CLASSIC TYPE; Ehlers-Danlos syndrome, type 1; EDS I. Identifiers: MedGen C0268335, MONDO:0019567, OMIM 130000.

Submission:

Labcorp Genetics (formerly Invitae), Labcorp
Classification: Uncertain significance for Ehlers-Danlos syndrome, classic type, 1. Last evaluated: 2022-08-20. Review status: criteria provided, single submitter. Criteria: Invitae Variant Classification Sherloc (09022015). Collection method: clinical testing. Allele origin: germline.
Comment: In summary, the available evidence is currently insufficient to determine the role of this variant in disease. Therefore, it has been classified as a Variant of Uncertain Significance. Advanced modeling of protein sequence and biophysical properties (such as structural, functional, and spatial information, amino acid conservation, physicochemical variation, residue mobility, and thermodynamic stability) performed at Invitae indicates that this missense variant is not expected to disrupt COL5A1 protein function. This variant has not been reported in the literature in individuals affected with COL5A1-related conditions. This variant is not present in population databases (gnomAD no frequency). This sequence change replaces aspartic acid, which is acidic and polar, with tyrosine, which is neutral and polar, at codon 382 of the COL5A1 protein (p.Asp382Tyr).

NM_000093.5(COL5A1):c.1144G>T (p.Asp382Tyr)

Gene: COL5A1 (collagen type V alpha 1 chain; plus strand). Cytogenetic location: 9q34.3.
Variant type: single nucleotide variant.
Coding change: c.1144G>T on transcript NM_000093.5 (MANE Select); coding-DNA position 1144, G replaced by T.
Protein change: p.Asp382Tyr; replaces aspartic acid 382 with tyrosine.
Molecular consequence: missense variant.
Genome position (GRCh38, 1-based): chr9:134,730,455, G>T. VCF-style: chr9-134730455-G-T. GRCh37 (hg19) VCF-style: chr9-137622301-G-T.
Other names: c.1144G>T, p.Asp382Tyr (NM_001278074.1); short protein forms D382Y.
Identifiers: ClinVar variation 2151398 (VCV002151398.4), dbSNP rs148288567, ClinGen allele CA375450157.